The following is an entry in ClinVar:

NM_015335.5(MED13L):c.-6A>G

Gene: MED13L (mediator complex subunit 13L; minus strand). Cytogenetic location: 12q24.21.
Variant type: single nucleotide variant.
Coding change: c.-6A>G on transcript NM_015335.5 (MANE Select); 6 bases upstream of the start codon, A replaced by G.
Molecular consequence: 5 prime UTR variant.
Genome position (GRCh38, 1-based): chr12:116,277,137, T>C on the plus strand (A>G on the coding strand, the complement: MED13L is on the minus strand). VCF-style: chr12-116277137-T-C. GRCh37 (hg19) VCF-style: chr12-116714942-T-C.
Identifiers: ClinVar variation 4848723 (VCV004848723.1).

ClinVar aggregate classification (germline): Uncertain significance (1 of 4 stars; one submission).

Submission:

Women's Health and Genetics/Laboratory Corporation of America, LabCorp
Classification: Uncertain significance. Last evaluated: 2026-04-09. Review status: criteria provided, single submitter. Criteria: LabCorp Variant Classification Summary - May 2015. Collection method: clinical testing. Allele origin: germline.
Comment: Variant summary: MED13L c.-6A>G is located in the untranslated mRNA region upstream of the initiation codon. The variant allele was found at a frequency of 2.2e-05 in 180786 control chromosomes. The available data on variant occurrences in the general population are insufficient to allow any conclusion about variant significance. To our knowledge, no occurrence of c.-6A>G in individuals affected with MED13L-related conditions and no experimental evidence demonstrating its impact on protein function have been reported. No submitters have cited clinical-significance assessments for this variant to ClinVar. Based on the evidence outlined above, the variant was classified as uncertain significance.